The following is an entry in ClinVar:

ClinVar aggregate classification (germline): Uncertain significance (1 of 4 stars; one submission).

Conditions:
Intellectual developmental disorder, autosomal dominant 64. Also called: MENTAL RETARDATION, AUTOSOMAL DOMINANT 64. Identifiers: MedGen C5543067, MONDO:0030934, OMIM 619188.

Allele frequency attached by ClinVar (database versions not stated): gnomAD exomes below 0.00001; ExAC 0.00001.
gnomAD v4.1: 2 of 1,613,374 alleles (0.00012%); highest among the groups gnomAD compares: Admixed American, 0.0033%; no homozygotes.

Submission:

Foundation for Research in Genetics and Endocrinology, FRIGE's Institute of Human Genetics
Classification: Uncertain significance for Intellectual developmental disorder, autosomal dominant 64. Last evaluated: 2023-04-14. Review status: criteria provided, single submitter. Criteria: ACMG Guidelines, 2015. Collection method: clinical testing. Allele origin: germline. Inheritance: Autosomal dominant inheritance. Affected: yes. Observed: 1 heterozygote.
Comment: Variant description: A heterozygous missense variant in exon 8 of the ZNF292 gene that results in the amino acid substitution of Leucine for Serine at codon 1277 (p.Ser1277Leu) was detected. This variant has not been reported in the 1000 genomes, gnomAD (v3.1), gnomdAD (v2.1) and topmed databases. The in silico predictions of the variant are probably damaging by PolyPhen-2 (HumDiv), and damaging by MutationTaster2. The reference codon is conserved across species. In summary, the variant meets our criteria to be classified as a variant of uncertain significance.

NM_015021.3(ZNF292):c.3830C>T (p.Ser1277Leu)

Gene: ZNF292 (zinc finger protein 292; plus strand). Cytogenetic location: 6q14.3.
Variant type: single nucleotide variant.
Coding change: c.3830C>T on transcript NM_015021.3 (MANE Select); coding-DNA position 3830, C replaced by T.
Protein change: p.Ser1277Leu; replaces serine 1277 with leucine.
Molecular consequence: missense variant.
Genome position (GRCh38, 1-based): chr6:87,257,459, C>T. VCF-style: chr6-87257459-C-T. GRCh37 (hg19) VCF-style: chr6-87967177-C-T.
Other names: p.Ser1277Leu; c.3410C>T, p.Ser1137Leu (NM_001351444.2); short protein forms S1137L, S1277L.
Identifiers: ClinVar variation 2498323 (VCV002498323.2), dbSNP rs760956712, ClinGen allele CA3914188.